The following is an entry in ClinVar:

ClinVar aggregate classification (germline): Uncertain significance (1 of 4 stars; one submission).

Allele frequency attached by ClinVar (database versions not stated): gnomAD exomes 0.00001.

Submission:

CeGaT Center for Human Genetics Tuebingen
Classification: Uncertain significance. Last evaluated: 2023-06-01. Review status: criteria provided, single submitter. Criteria: CeGaT Center For Human Genetics Tuebingen Variant Classification Criteria Version 2. Collection method: clinical testing. Allele origin: germline. Affected: yes. Observed: 1 variant allele.
Comment: PODXL: PM2, BP4

NM_001018111.3(PODXL):c.745G>A (p.Glu249Lys)

Gene: PODXL (podocalyxin like; minus strand). Cytogenetic location: 7q32.3.
Variant type: single nucleotide variant.
Coding change: c.745G>A on transcript NM_001018111.3 (MANE Select); coding-DNA position 745, G replaced by A.
Protein change: p.Glu249Lys; replaces glutamic acid 249 with lysine.
Molecular consequence: missense variant. On other transcripts: intron variant (1).
Genome position (GRCh38, 1-based): chr7:131,510,293, C>T on the plus strand (G>A on the coding strand, the complement: PODXL is on the minus strand). VCF-style: chr7-131510293-C-T. GRCh37 (hg19) VCF-style: chr7-131195052-C-T.
Other names: c.706+535G>A (NM_005397.4); short protein forms E249K.
Identifiers: ClinVar variation 2657999 (VCV002657999.24), dbSNP rs1797886806, ClinGen allele CA369300786.